The following is an entry in ClinVar:

NM_007294.4(BRCA1):c.-18T>C

Gene: BRCA1 (BRCA1 DNA repair associated; minus strand). Cytogenetic location: 17q21.31.
Variant type: single nucleotide variant.
Coding change: c.-18T>C on transcript NM_007294.4 (MANE Select); 18 bases upstream of the start codon, T replaced by C.
Molecular consequence: 5 prime UTR variant. On other transcripts: non-coding transcript variant (1).
Genome position (GRCh38, 1-based): chr17:43,124,114, A>G on the plus strand (T>C on the coding strand, the complement: BRCA1 is on the minus strand). VCF-style: chr17-43124114-A-G. GRCh37 (hg19) VCF-style: chr17-41276131-A-G.
Other names: c.-206T>C (NM_001407571.1, NM_001407853.1, NM_001407879.1 and 42 more transcripts); c.-18T>C (NM_001407581.1, NM_001407582.1, NM_001407583.1 and 169 more transcripts); c.-275T>C (NM_001407694.1, NM_001407724.1, NM_001407727.1 and 11 more transcripts); c.-279T>C (NM_001407695.1, NM_001408465.1); c.-420T>C (NM_001407696.1); c.-304T>C (NM_001407697.1, NM_001407846.1, NM_001407920.1); c.-105T>C (NM_001407698.1, NM_001407732.1, NM_001407736.1 and 21 more transcripts); c.-278T>C (NM_001407725.1, NM_001407730.1, NM_001407734.1 and 22 more transcripts); and 8 more.
Identifiers: ClinVar variation 868645 (VCV000868645.3), dbSNP rs1567823580, ClinGen allele CA916081172.

Conditions:
Breast-ovarian cancer, familial, susceptibility to, 1 (BROVCA1). Also called: BRCA1 Hereditary Breast and Ovarian Cancer; OVARIAN CANCER, SUSCEPTIBILITY TO. Identifiers: Orphanet 145, MedGen C2676676, MONDO:0011450, OMIM 604370. Disease mechanism: loss of function.

Submission:

Brotman Baty Institute, University of Washington
No classification provided (evidence only). Condition: Breast-ovarian cancer, familial 1. Review status: no classification provided. Collection method: in vitro. Allele origin: not applicable. Functional consequence: functionally_normal.
ClinVar note: "not provided" was previously submitted as the classification for the variant. However, the classification appeared to be based only on an observation of functional data so it was converted to no classification on 2025-07-30.